The following is an entry in ClinVar:

NM_201384.3(PLEC):c.4045A>T (p.Arg1349Trp)

Gene: PLEC (plectin; minus strand). Cytogenetic location: 8q24.3.
Variant type: single nucleotide variant.
Coding change: c.4045A>T on transcript NM_201384.3 (MANE Select); coding-DNA position 4045, A replaced by T.
Protein change: p.Arg1349Trp; replaces arginine 1349 with tryptophan.
Molecular consequence: missense variant. On other transcripts: intron variant (1).
Genome position (GRCh38, 1-based): chr8:143,925,884, T>A on the plus strand (A>T on the coding strand, the complement: PLEC is on the minus strand). VCF-style: chr8-143925884-T-A. GRCh37 (hg19) VCF-style: chr8-145000052-T-A.
Other names: c.4126A>T, p.Arg1376Trp (NM_000445.5); c.4003A>T, p.Arg1335Trp (NM_201378.4); c.3979A>T, p.Arg1327Trp (NM_201379.3); c.4456A>T, p.Arg1486Trp (NM_201380.4); c.3949A>T, p.Arg1317Trp (NM_201381.3); c.4045A>T, p.Arg1349Trp (NM_201382.4); c.4057A>T, p.Arg1353Trp (NM_201383.3); c.4125+900A>T (NM_001410941.1); and 1 more; short protein forms R1327W, R1486W, R1353W, R1376W, R1317W, R1335W, R1349W.
Identifiers: ClinVar variation 2940932 (VCV002940932.4), dbSNP rs2538121188, ClinGen allele CA372561668.
Genomic context (GRCh38, chr8:143,925,884, plus strand): 5'-GCGCGGCCTCCACCTCGGCCAGCCGCTCGCGCTCCTCTGCCCGCTGCTGCTCAGCCAGCC[T>A]CTGTGGCCACAGCAGAGAGAAGAAGAGAAGCAGAGAGAGTGTGAACACGGGCAGGCGCTG-3'
Protein context (NP_958786.1, residues 1339-1359): ETLRRMEEEE[Arg1349Trp]LAEQQRAEER

ClinVar aggregate classification (germline): Uncertain significance. Review status: criteria provided, multiple submitters, no conflicts (2 of 4 stars). 2 submissions from 2 submitters: Uncertain significance (2). Last evaluated 2025-08-05.

Conditions:
Inborn genetic diseases. Identifiers: MedGen C0950123, MeSH D030342.
Epidermolysis bullosa simplex with nail dystrophy (EBS5D). Identifiers: MedGen C4225309, MONDO:0014661, OMIM 616487.
Epidermolysis bullosa simplex, Ogna type (EBS5A). Also called: Pidermolysis bullosa simplex 5A, Ogna type; EPIDERMOLYSIS BULLOSA SIMPLEX 5A, OGNA TYPE. Identifiers: Orphanet 79401, MedGen C0432317, MONDO:0007555, OMIM 131950.
Autosomal recessive limb-girdle muscular dystrophy type 2Q (LGMDR17). Also called: MUSCULAR DYSTROPHY, LIMB-GIRDLE, AUTOSOMAL RECESSIVE 17. Identifiers: Orphanet 254361, MedGen C3150989, MONDO:0013390, OMIM 613723.
Epidermolysis bullosa simplex 5B, with muscular dystrophy (EBS5B). Also called: EPIDERMOLYSIS BULLOSA SIMPLEX AND LIMB-GIRDLE MUSCULAR DYSTROPHY; Epidermolysis bullosa simplex with muscular dystrophy. Identifiers: Orphanet 257, MedGen C2931072, MONDO:0009181, OMIM 226670.
Epidermolysis bullosa simplex 5C, with pyloric atresia (EBS5C). Also called: PLEC-Related Epidermolysis Bullosa with Pyloric Atresia; Epidermolysis bullosa simplex with pyloric atresia; PLEC1-Related Epidermolysis Bullosa with Pyloric Atresia. Identifiers: Orphanet 158684, MedGen C2677349, MONDO:0012807, OMIM 612138.

Submissions (2):

Ambry Genetics
Classification: Uncertain significance for Inborn genetic diseases. Last evaluated: 2025-08-05. Review status: criteria provided, single submitter. Criteria: Ambry Variant Classification Scheme 2023. Collection method: clinical testing. Allele origin: germline.

Labcorp Genetics (formerly Invitae), Labcorp
Classification: Uncertain significance for Autosomal recessive limb-girdle muscular dystrophy type 2Q; Epidermolysis bullosa simplex, Ogna type; Epidermolysis bullosa simplex with nail dystrophy; Epidermolysis bullosa simplex 5C, with pyloric atresia; Epidermolysis bullosa simplex 5B, with muscular dystrophy. Last evaluated: 2023-02-28. Review status: criteria provided, single submitter. Criteria: Invitae Variant Classification Sherloc (09022015). Collection method: clinical testing. Allele origin: germline.
Comment: This sequence change replaces arginine, which is basic and polar, with tryptophan, which is neutral and slightly polar, at codon 1376 of the PLEC protein (p.Arg1376Trp). This variant is not present in population databases (gnomAD no frequency). This variant has not been reported in the literature in individuals affected with PLEC-related conditions. Experimental studies and prediction algorithms are not available or were not evaluated, and the functional significance of this variant is currently unknown. In summary, the available evidence is currently insufficient to determine the role of this variant in disease. Therefore, it has been classified as a Variant of Uncertain Significance.